The following is an entry in ClinVar:

NM_001849.4(COL6A2):c.2656G>A (p.Gly886Ser)

Gene: COL6A2 (collagen type VI alpha 2 chain; plus strand). Cytogenetic location: 21q22.3.
Variant type: single nucleotide variant.
Coding change: c.2656G>A on transcript NM_001849.4 (MANE Select); coding-DNA position 2656, G replaced by A.
Protein change: p.Gly886Ser; replaces glycine 886 with serine.
Molecular consequence: missense variant.
Genome position (GRCh38, 1-based): chr21:46,132,148, G>A. VCF-style: chr21-46132148-G-A. GRCh37 (hg19) VCF-style: chr21-47552062-G-A.
Other names: p.Gly886Ser; short protein forms G886S.
Identifiers: ClinVar variation 285730 (VCV000285730.20), dbSNP rs571488000, ClinGen allele CA10072967.
Genomic context (GRCh38, chr21:46,132,148, plus strand): 5'-GCCCGGAGGGACGACGACCCTCTCAACGCACGCGTGGCGCTGCTGCAGTTTGGTGGCCCC[G>A]GCGAGCAGCAGGTGGCCTTCCCGCTGAGCCACAACCTCACGGCCATCCACGAGGCGCTGG-3'
Protein context (NP_001840.3, residues 876-896): RVALLQFGGP[Gly886Ser]EQQVAFPLSH

ClinVar aggregate classification (germline): Conflicting classifications of pathogenicity. Review status: criteria provided, conflicting classifications (1 of 4 stars). 5 submissions from 5 submitters: Uncertain significance (3); Likely benign (2). Last evaluated 2026-04-01.

Conditions:
Bethlem myopathy 1A. Also called: Bethlem myopathy 1; Bethlem Muscular Dystrophy; MYOPATHY, BENIGN CONGENITAL, WITH CONTRACTURES. Identifiers: Orphanet 610, MedGen CN029274, MONDO:0024530, OMIM 158810.

Allele frequency attached by ClinVar (database versions not stated): TOPMed 0.00013; gnomAD exomes 0.00015; 1000 Genomes Project 30x 0.00016; gnomAD 0.00016 and 0.00017; ExAC 0.00019; 1000 Genomes Project 0.00020.
gnomAD v4.1: 394 of 1,570,674 alleles (0.025%); highest among the groups gnomAD compares: Non-Finnish European, 0.024%; no homozygotes.

Submissions (5):

CeGaT Center for Human Genetics Tuebingen
Classification: Uncertain significance. Last evaluated: 2026-04-01. Review status: criteria provided, single submitter. Criteria: CeGaT Center For Human Genetics Tuebingen Variant Classification Criteria Version 2. Collection method: clinical testing. Allele origin: germline. Affected: yes. Observed: 1 variant allele.
Comment: COL6A2: PM2:Supporting, BP4

Labcorp Genetics (formerly Invitae), Labcorp
Classification: Likely benign for Bethlem myopathy 1A. Last evaluated: 2025-10-08. Review status: criteria provided, single submitter. Criteria: Invitae Variant Classification Sherloc (09022015). Collection method: clinical testing. Allele origin: germline.

Mayo Clinic Laboratories, Mayo Clinic
Classification: Uncertain significance. Last evaluated: 2025-09-13. Review status: criteria provided, single submitter. Criteria: ACMG Guidelines, 2015. Collection method: clinical testing. Allele origin: germline. Observed: 1 variant allele.
Comment: BP4_moderate

Revvity Omics, Revvity
Classification: Likely benign. Last evaluated: 2024-03-25. Review status: criteria provided, single submitter. Criteria: ACMG Guidelines, 2015. Collection method: clinical testing. Allele origin: germline.

Eurofins Ntd Llc (ga)
Classification: Uncertain significance. Last evaluated: 2016-01-23. Review status: criteria provided, single submitter. Criteria: EGL Classification Definitions 2015. Collection method: clinical testing. Allele origin: germline. Observed: 3 variant alleles, 3 heterozygotes.